The following is an entry in ClinVar:

ClinVar aggregate classification (germline): Likely pathogenic (1 of 4 stars; one submission).

Conditions:
Methylmalonic aciduria due to complete methylmalonyl-CoA mutase deficiency.

Submission:

Natera, Inc.
Classification: Likely pathogenic for Methylmalonic aciduria due to complete methylmalonyl-CoA mutase deficiency. Last evaluated: 2025-06-05. Review status: criteria provided, single submitter. Criteria: Natera Variant Classification Schema (03/2026). Collection method: clinical testing. Allele origin: germline.
Comment: The c.1714del variant in MMUT is a frameshift variant predicted to shift the reading frame beginning at codon 572 and leads to a stop codon 12 codons downstream. This variant is expected to result in nonsense mediated decay, truncation, or a dysfunctional protein product. This variant is rare in the general population with a frequency below the threshold expected for the associated phenotype(s). Given the available evidence, this variant is classified as Likely Pathogenic.

NM_000255.4(MMUT):c.1714del (p.Val572fs)

Gene: MMUT (methylmalonyl-CoA mutase; minus strand). Cytogenetic location: 6p12.3.
Variant type: Deletion.
Coding change: c.1714del on transcript NM_000255.4 (MANE Select); coding-DNA position 1714, one base deleted (G; older notation c.1714delG).
Protein change: p.Val572fs; shifts the reading frame from valine 572.
Molecular consequence: frameshift variant.
Genome position (GRCh38, 1-based): chr6:49,441,934, C deleted on the plus strand (G on the coding strand, the reverse complement: MMUT is on the minus strand); the first of 2 consecutive C bases (chr6:49,441,934-49,441,935); deleting either gives the same sequence. VCF-style (leftmost placement, unchanged base first): chr6-49441933-AC-A. GRCh37 (hg19) VCF-style: chr6-49409646-AC-A.
Other names: short protein forms V572fs.
Identifiers: ClinVar variation 4817998 (VCV004817998.1).